The following is an entry in ClinVar:

ClinVar aggregate classification (germline): Uncertain significance (1 of 4 stars; one submission).

Conditions:
Lowe syndrome (OCRL). Also called: LOWE OCULOCEREBRORENAL SYNDROME; PHOSPHATIDYLINOSITOL 4,5-BISPHOSPHATE 5-PHOSPHATASE DEFICIENCY; Oculocerebrorenal Syndrome. Identifiers: Orphanet 534, MedGen C0028860, MONDO:0010645, OMIM 309000.

Submission:

Labcorp Genetics (formerly Invitae), Labcorp
Classification: Uncertain significance for Lowe syndrome. Last evaluated: 2026-01-02. Review status: criteria provided, single submitter. Criteria: Invitae Variant Classification Sherloc (09022015). Collection method: clinical testing. Allele origin: germline.
Comment: This sequence change replaces valine, which is neutral and non-polar, with methionine, which is neutral and non-polar, at codon 292 of the OCRL protein (p.Val292Met). This variant is not present in population databases (gnomAD no frequency). This variant has not been reported in the literature in individuals affected with OCRL-related conditions. Invitae Evidence Modeling of protein sequence and biophysical properties (such as structural, functional, and spatial information, amino acid conservation, physicochemical variation, residue mobility, and thermodynamic stability) indicates that this missense variant is not expected to disrupt OCRL protein function with a negative predictive value of 80%. In summary, the available evidence is currently insufficient to determine the role of this variant in disease. Therefore, it has been classified as a Variant of Uncertain Significance.

NM_000276.4(OCRL):c.874G>A (p.Val292Met)

Gene: OCRL (OCRL inositol polyphosphate-5-phosphatase; plus strand). Cytogenetic location: Xq26.1.
Variant type: single nucleotide variant.
Coding change: c.874G>A on transcript NM_000276.4 (MANE Select); coding-DNA position 874, G replaced by A.
Protein change: p.Val292Met; replaces valine 292 with methionine.
Molecular consequence: missense variant.
Genome position (GRCh38, 1-based): chrX:129,561,228, G>A. VCF-style: chrX-129561228-G-A. GRCh37 (hg19) VCF-style: chrX-128695205-G-A.
Other names: c.877G>A, p.Val293Met (NM_001318784.2); c.874G>A, p.Val292Met (NM_001587.4); short protein forms V292M, V293M.
Identifiers: ClinVar variation 4742457 (VCV004742457.1).